The following is an entry in ClinVar:

ClinVar aggregate classification (germline): Likely pathogenic (1 of 4 stars; one submission).

Conditions:
APOB-related disorder. Also called: APOB-related disorders; APOB-related condition.

Submission:

PreventionGenetics, part of Exact Sciences
Classification: Likely pathogenic for APOB-related condition. Last evaluated: 2022-08-24. Review status: criteria provided, single submitter. Criteria: ACMG Guidelines, 2015. Collection method: clinical testing. Allele origin: germline.
Comment: The APOB c.3000-1G>A variant is predicted to disrupt the AG splice acceptor site and interfere with normal splicing. To our knowledge, this variant has not been reported in the literature or in a large population database, indicating this variant is rare. A G>T alteration at the same nucleotide position has been documented in the literature, and other canonical splice altering variants have been documented as causative both up and downstream (Rabacchi. 2019. PubMed ID: 31629702). Variants that disrupt the consensus splice acceptor site in APOB are expected to be pathogenic. This variant is interpreted as likely pathogenic.

NM_000384.3(APOB):c.3000-1G>A

Gene: APOB (apolipoprotein B; minus strand). Cytogenetic location: 2p24.1.
Variant type: single nucleotide variant.
Coding change: c.3000-1G>A on transcript NM_000384.3 (MANE Select); the canonical splice acceptor site of the intron before coding-DNA position 3000, G replaced by A.
Molecular consequence: splice acceptor variant.
Genome position (GRCh38, 1-based): chr2:21,019,114, C>T on the plus strand (G>A on the coding strand, the complement: APOB is on the minus strand). VCF-style: chr2-21019114-C-T. GRCh37 (hg19) VCF-style: chr2-21241986-C-T.
Identifiers: ClinVar variation 2636301 (VCV002636301.1), dbSNP rs2465397269, ClinGen allele CA346010062.
Genomic context (GRCh38, chr2:21,019,114, plus strand): 5'-TAGGTTGCGCTGACAGAATACTGCTCAATCTCTCCTGTAGGCCTCAGTTCCAGCTCTAAT[C>T]TAAAGACATTACAATGAAGACAGTGCATAATGTTAGAGCTTTCAAGGATGGTGATTATGT-3'